The following continues an entry in ClinVar:

NM_000152.5(GAA):c.2015G>A (p.Arg672Gln)

Gene: GAA. ClinVar aggregate classification (germline): Likely pathogenic. Likely pathogenic (1).

Submissions 8 to 14 of 14:

Fulgent Genetics
Classification: Pathogenic for Glycogen storage disease, type II. Last evaluated: 2024-05-03. Review status: criteria provided, single submitter. Criteria: ACMG Guidelines, 2015. Collection method: clinical testing. Allele origin: germline. Not counted in ClinVar's aggregate classification.

Institute of Medical Genetics and Genomics, Sir Ganga Ram Hospital
Classification: Pathogenic for Glycogen storage disease, type II. Last evaluated: 2023-06-22. Review status: criteria provided, single submitter. Criteria: ACMG Guidelines, 2015. Collection method: clinical testing. Allele origin: germline. Inheritance: Autosomal recessive inheritance. Affected: yes. Observed: 1 homozygote. Not counted in ClinVar's aggregate classification.
Comment: The homozygous variant c.2015G>A (p.Arg672Gln) has been identified in homozygous state. This variant has been previously reported PMID: 27858635.

Revvity Omics, Revvity
Classification: Pathogenic. Last evaluated: 2021-12-06. Review status: criteria provided, single submitter. Criteria: ACMG Guidelines, 2015. Collection method: clinical testing. Allele origin: germline. Not counted in ClinVar's aggregate classification.

Broad Center for Mendelian Genomics, Broad Institute of MIT and Harvard
Classification: Pathogenic for Glycogen storage disease, type II. Last evaluated: 2020-01-22. Review status: criteria provided, single submitter. Criteria: ACMG Guidelines, 2015. Collection method: curation. Allele origin: germline. Inheritance: Autosomal recessive inheritance. Not counted in ClinVar's aggregate classification.
Comment: The p.Arg672Gln variant in GAA has been reported in 7 individuals (including 4 Japanese and 1 Korean individuals) with Glycogen Storage Disease II, segregated with disease in 4 affected relatives from 2 families (PMID: 17092519, 11053688, 9535769, 25712382), and has also been reported likely pathogenic by Counsyl in ClinVar (Variation ID: 371126). This variant has been identified in 0.011% (2/18064) of East Asian chromosomes, 0.003% (1/29862) of South Asian chromosomes, and 0.001% (1/108950) of European (non-Finnish) chromosomes by the Genome Aggregation Database (gnomAD; dbSNP rs778418246). Although this variant has been seen in the general population, its frequency is low enough to be consistent with a recessive carrier frequency. In vitro functional studies provide some evidence that the p.Arg672Gln variant may impact GAA activity (PMID: 9535769, 19862843). However, these types of assays may not accurately represent biological function. Computational prediction tools and conservation analyses suggest that this variant may impact the protein and activate a cryptic splice site, though this information is not predictive enough to determine pathogenicity. The presence of this variant in combination with a reported likely pathogenic variant, and in an individual with Glycogen Storage Disease II increases the likelihood that the p.Arg672Gln variant is pathogenic (PMID: 17092519). The presence of this variant in the homozygous state in 4 individuals with Glycogen Storage Disease II also increases the likelihood that the p.Arg672Gln variant is pathogenic (PMID: 11053688, 9535769, 25712382). The phenotype of 4 individuals with this variant (including 2 homozygotes) is highly specific for Glycogen Storage Disease II based on assays that only detected residual GAA enzyme activity in muscle biopsy and/or cultured skin fibroblast cells (PMID: 11053688). One additional pathogenic variant at the the same position, p.Arg672Trp, has been curated by our study, supporting that a change at this position may not be tolerated. In summary, this variant meets criteria to be classified as pathogenic for Glycogen Storage Disease II in an autosomal recessive manner based on in vitro functional studies and multiple occurrences in the homozygous state and the heterozygous state with a pathogenic variant in individuals with Glycogen Storage Disease II. ACMG/AMP Criteria applied: PM3_Strong, PS3, PM2, PM5, PP3, PP4 (Richards 2015).

Women's Health and Genetics/Laboratory Corporation of America, LabCorp
Classification: Pathogenic for Glycogen storage disease, type II. Last evaluated: 2017-09-28. Review status: criteria provided, single submitter. Criteria: LabCorp Variant Classification Summary - May 2015. Collection method: clinical testing. Allele origin: germline. Not counted in ClinVar's aggregate classification.
Comment: Variant summary: The GAA c.2015G>A (p.Arg672Gln) variant involves the alteration of a conserved nucleotide. 4/5 in silico tools predict a damaging outcome for this variant. This variant was found in 5/237400 control chromosomes at a frequency of 0.0000211, which does not exceed the estimated maximal expected allele frequency of a pathogenic GAA variant (0.0042205). The variant has been reported in affected individuals in the literature in the homozygous and compound heterozygous state, and has been reported in homozygous patients to lead to complete loss of acid maltase activity (Tsujino_GAA_ND_2000). In addition, one clinical diagnostic laboratory/reputable database classified this variant as likely pathogenic. Taken together, this variant is classified as pathogenic.

Juno Genomics, Hangzhou Juno Genomics, Inc
Classification: Likely pathogenic for Glycogen storage disease, type II. Review status: criteria provided, single submitter. Criteria: ACMG Guidelines, 2015. Collection method: clinical testing. Allele origin: germline. Not counted in ClinVar's aggregate classification.
Comment: Absent from controls (or at extremely low frequency if recessive) in Genome Aggregation Database.;Multiple lines of computational evidence support a deleterious effect on the gene or gene product.;For recessive disorders, detected in trans with a pathogenic variant.;Patient's phenotype or family history is highly specific for a disease with a single genetic etiology.;Novel missense change at an amino acid residue where a different missense change determined to be pathogenic has been seen before.

Counsyl
Classification: Likely pathogenic for Glycogen storage disease, type II. Last evaluated: 2016-07-08. Review status: no assertion criteria provided. Collection method: clinical testing. Allele origin: unknown. Not counted in ClinVar's aggregate classification.

Literature cited by the submitters: PubMed 9535769 (cited by 6 submitters); PubMed 39731073 (cited by Genomenon, Inc); PubMed 25388776 (cited by Genomenon, Inc); PubMed 28937052 (cited by Genomenon, Inc and Natera, Inc.); PubMed 39835171 (cited by Genomenon, Inc); PubMed 27858635 (cited by Genomenon, Inc and Institute of Medical Genetics and Genomics, Sir Ganga Ram Hospital); PubMed 25085675 (cited by Genomenon, Inc); PubMed 19862843 (cited by 4 submitters); PubMed 29122469 (cited by 3billion); PubMed 11053688 (cited by 4 submitters); PubMed 23884227 (cited by Labcorp Genetics (formerly Invitae), Labcorp and Counsyl); PubMed 25712382 (cited by 4 submitters); PubMed 27363342 (cited by Labcorp Genetics (formerly Invitae), Labcorp); PubMed 28592009 (cited by Labcorp Genetics (formerly Invitae), Labcorp); PubMed 15986226 (cited by Labcorp Genetics (formerly Invitae), Labcorp); PubMed 16917947 (cited by Labcorp Genetics (formerly Invitae), Labcorp); PubMed 21484825 (cited by Labcorp Genetics (formerly Invitae), Labcorp); PubMed 21757382 (cited by Labcorp Genetics (formerly Invitae), Labcorp); PubMed 17092519 (cited by 3 submitters).